The following is an entry in ClinVar:

ClinVar aggregate classification (germline): Uncertain significance (1 of 4 stars; one submission).

Conditions:
Dystonic disorder. Also called: Dystonia. Identifiers: MedGen C0013421, MONDO:0003441, HP:0001332.

gnomAD v4.1: 8 of 1,614,086 alleles (0.0005%); highest among the groups gnomAD compares: South Asian, 0.0022%; no homozygotes.

Submission:

Labcorp Genetics (formerly Invitae), Labcorp
Classification: Uncertain significance for Dystonic disorder. Last evaluated: 2025-07-14. Review status: criteria provided, single submitter. Criteria: Invitae Variant Classification Sherloc (09022015). Collection method: clinical testing. Allele origin: germline.
Comment: This sequence change replaces valine, which is neutral and non-polar, with isoleucine, which is neutral and non-polar, at codon 159 of the DRD2 protein (p.Val159Ile). This variant is present in population databases (no rsID available, gnomAD 0.002%). This variant has not been reported in the literature in individuals affected with DRD2-related conditions. ClinVar contains an entry for this variant (Variation ID: 3715795). An algorithm developed to predict the effect of missense changes on protein structure and function (PolyPhen-2) suggests that this variant is likely to be disruptive. In summary, the available evidence is currently insufficient to determine the role of this variant in disease. Therefore, it has been classified as a Variant of Uncertain Significance.

NM_000795.4(DRD2):c.475G>A (p.Val159Ile)

Gene: DRD2 (dopamine receptor D2; minus strand). Cytogenetic location: 11q23.2.
Variant type: single nucleotide variant.
Coding change: c.475G>A on transcript NM_000795.4 (MANE Select); coding-DNA position 475, G replaced by A.
Protein change: p.Val159Ile; replaces valine 159 with isoleucine.
Molecular consequence: missense variant.
Genome position (GRCh38, 1-based): chr11:113,416,920, C>T on the plus strand (G>A on the coding strand, the complement: DRD2 is on the minus strand). VCF-style: chr11-113416920-C-T. GRCh37 (hg19) VCF-style: chr11-113287642-C-T.
Other names: c.475G>A, p.Val159Ile (NM_016574.4); short protein forms V159I.
Identifiers: ClinVar variation 3715795 (VCV003715795.2).
Genomic context (GRCh38, chr11:113,416,920, plus strand): 5'-TACCTGCGTTATTGAGTCCGAAGAGGAGTGGGCAGGAGATGGTGAAGGACAGGACCCAGA[C>T]GATGGAGATCATGACGGTGACCCGGCGCTTGGAGCTGTAGCGCGTATTGTACAGCATGGG-3'
Protein context (NP_000786.1, residues 149-169): KRRVTVMISI[Val159Ile]WVLSFTISCP